The following is an entry in ClinVar:

ClinVar aggregate classification (germline): Uncertain significance (1 of 4 stars; one submission).

Submission:

GeneDx
Classification: Uncertain significance. Last evaluated: 2013-07-30. Review status: criteria provided, single submitter. Criteria: GeneDx Variant Classification (06012015). Collection method: clinical testing. Allele origin: germline. Affected: yes.
Comment: This missense substitution has not been published as a pathogenic variant, nor has it been reported as a benign polymorphism to our knowledge. This is a non-conservative amino acid substitution as a negatively charged polar Aspartic acid is replaced with a non-polar Alanine residue. Aspartic acid is well conserved at this position across species. Furthermore, multiple in silico algorithms predict this may be damaging to protein structure or function. This missense change was not observed at any significant frequency in approximately 6,500 individuals of European and African American ancestry in an external variant database. Therefore, this is a strong candidate for a pathogenic variant, however the possibility that it is a benign variant cannot be excluded.

NM_000350.3(ABCA4):c.3305A>C (p.Asp1102Ala)

Gene: ABCA4 (ATP binding cassette subfamily A member 4; minus strand). Cytogenetic location: 1p22.1.
Variant type: single nucleotide variant.
Coding change: c.3305A>C on transcript NM_000350.3 (MANE Select); coding-DNA position 3305, A replaced by C.
Protein change: p.Asp1102Ala; replaces aspartic acid 1102 with alanine.
Molecular consequence: missense variant.
Genome position (GRCh38, 1-based): chr1:94,042,784, T>G on the plus strand (A>C on the coding strand, the complement: ABCA4 is on the minus strand). VCF-style: chr1-94042784-T-G. GRCh37 (hg19) VCF-style: chr1-94508340-T-G.
Other names: c.3083A>C, p.Asp1028Ala (NM_001425324.1); short protein forms D1102A, D1028A.
Identifiers: ClinVar variation 417987 (VCV000417987.2), dbSNP rs143689372, ClinGen allele CA16617207.